The following is an entry in ClinVar:

ClinVar aggregate classification (germline): Pathogenic (1 of 4 stars; one submission).

Conditions:
Osteogenesis imperfecta type I (OI1). Also called: Lobstein's Disease; Lobstein disease; Classic Non-deforming Osteogenesis Imperfecta with Blue Sclerae; OI, TYPE I; OSTEOGENESIS IMPERFECTA TARDA; OSTEOGENESIS IMPERFECTA WITH BLUE SCLERAE. Identifiers: Orphanet 216796, Orphanet 666, MedGen C0023931, MONDO:0008146, OMIM 166200. Disease mechanism: loss of function.

Submission:

Labcorp Genetics (formerly Invitae), Labcorp
Classification: Pathogenic for Osteogenesis imperfecta type I. Last evaluated: 2024-06-02. Review status: criteria provided, single submitter. Criteria: Invitae Variant Classification Sherloc (09022015). Collection method: clinical testing. Allele origin: germline.
Comment: This sequence change creates a premature translational stop signal (p.Gly1103Alafs*5) in the COL1A1 gene. It is expected to result in an absent or disrupted protein product. Loss-of-function variants in COL1A1 are known to be pathogenic (PMID: 7942841, 9295084, 9443882). This variant is not present in population databases (gnomAD no frequency). This variant has not been reported in the literature in individuals affected with COL1A1-related conditions. For these reasons, this variant has been classified as Pathogenic.

Literature cited by the submitters: PubMed 7942841; PubMed 9295084; PubMed 9443882.

NM_000088.4(COL1A1):c.3308del (p.Gly1103fs)

Gene: COL1A1 (collagen type I alpha 1 chain; minus strand). Cytogenetic location: 17q21.33.
Variant type: Deletion.
Coding change: c.3308del on transcript NM_000088.4 (MANE Select); coding-DNA position 3308, one base deleted (G; older notation c.3308delG).
Protein change: p.Gly1103fs; shifts the reading frame from glycine 1103.
Molecular consequence: frameshift variant.
Genome position (GRCh38, 1-based): chr17:50,187,937, C deleted on the plus strand (G on the coding strand, the reverse complement: COL1A1 is on the minus strand); the first of 3 consecutive C bases (chr17:50,187,937-50,187,939); deleting any one gives the same sequence. VCF-style (leftmost placement, unchanged base first): chr17-50187936-GC-G. GRCh37 (hg19) VCF-style: chr17-48265297-GC-G.
Other names: short protein forms G1103fs.
Identifiers: ClinVar variation 3654160 (VCV003654160.2).